The following is an entry in ClinVar:

NM_018026.4(PACS1):c.2593G>C (p.Gly865Arg)

Gene: PACS1 (phosphofurin acidic cluster sorting protein 1; plus strand). Cytogenetic location: 11q13.2.
Variant type: single nucleotide variant.
Coding change: c.2593G>C on transcript NM_018026.4 (MANE Select); coding-DNA position 2593, G replaced by C.
Protein change: p.Gly865Arg; replaces glycine 865 with arginine.
Molecular consequence: missense variant.
Genome position (GRCh38, 1-based): chr11:66,241,590, G>C. VCF-style: chr11-66241590-G-C. GRCh37 (hg19) VCF-style: chr11-66009061-G-C.
Other names: short protein forms G865R.
Identifiers: ClinVar variation 1188122 (VCV001188122.28), dbSNP rs202231158, ClinGen allele CA6116908.

ClinVar aggregate classification (germline): Likely benign. Review status: criteria provided, multiple submitters, no conflicts (2 of 4 stars). 6 submissions from 6 submitters: Likely benign (6). Last evaluated 2025-11-12.

Conditions:
Inborn genetic diseases. Identifiers: MedGen C0950123, MeSH D030342.
Schuurs-Hoeijmakers syndrome. Also called: PACS1-Related Neurodevelopmental Disorder. Identifiers: Orphanet 329224, MedGen C3554343, MONDO:0014006, OMIM 615009.

Allele frequency attached by ClinVar (database versions not stated): ExAC 0.00010; ESP Exome Variant Server 0.00015; gnomAD 0.00017 and 0.00018; gnomAD exomes 0.00017; TOPMed 0.00020.
gnomAD v4.1: 180 of 1,614,054 alleles (0.011%); highest among the groups gnomAD compares: Admixed American, 0.022%; no homozygotes.

Submissions (6):

Labcorp Genetics (formerly Invitae), Labcorp
Classification: Likely benign for Schuurs-Hoeijmakers syndrome. Last evaluated: 2025-11-12. Review status: criteria provided, single submitter. Criteria: Invitae Variant Classification Sherloc (09022015). Collection method: clinical testing. Allele origin: germline.

CeGaT Center for Human Genetics Tuebingen
Classification: Likely benign. Last evaluated: 2024-11-01. Review status: criteria provided, single submitter. Criteria: CeGaT Center For Human Genetics Tuebingen Variant Classification Criteria Version 2. Collection method: clinical testing. Allele origin: germline. Affected: yes. Observed: 1 variant allele.
Comment: PACS1: BS2

Ambry Genetics
Classification: Likely benign for Inborn genetic diseases. Last evaluated: 2022-10-07. Review status: criteria provided, single submitter. Criteria: Ambry Variant Classification Scheme 2023. Collection method: clinical testing. Allele origin: germline.

Department of Pathology and Laboratory Medicine, Sinai Health System
Classification: Likely benign for Schuurs-Hoeijmakers syndrome. Last evaluated: 2022-03-31. Review status: criteria provided, single submitter. Criteria: ACMG Guidelines, 2015. Collection method: research. Allele origin: germline.

GeneDx
Classification: Likely benign. Last evaluated: 2020-12-18. Review status: criteria provided, single submitter. Criteria: GeneDx Variant Classification Process June 2021. Collection method: clinical testing. Allele origin: germline. Affected: yes.
Comment: This variant is associated with the following publications: (PMID: 30167848)

Breakthrough Genomics
Classification: Likely benign. Review status: criteria provided, single submitter. Criteria: ACMG Guidelines, 2015. Collection method: not provided. Allele origin: germline. Inheritance: Autosomal dominant inheritance. Affected: yes.